The following is an entry in ClinVar:

NM_001378120.1(MBD5):c.4274C>T (p.Thr1425Ile)

Gene: MBD5 (methyl-CpG binding domain protein 5; plus strand). Cytogenetic location: 2q23.1.
Variant type: single nucleotide variant.
Coding change: c.4274C>T on transcript NM_001378120.1 (MANE Select); coding-DNA position 4274, C replaced by T.
Protein change: p.Thr1425Ile; replaces threonine 1425 with isoleucine.
Molecular consequence: missense variant.
Genome position (GRCh38, 1-based): chr2:148,489,906, C>T. VCF-style: chr2-148489906-C-T. GRCh37 (hg19) VCF-style: chr2-149247475-C-T.
Other names: c.3575C>T, p.Thr1192Ile (NM_018328.5); short protein forms T1192I, T1425I.
Identifiers: ClinVar variation 2630072 (VCV002630072.1), dbSNP rs114212251, ClinGen allele CA57596859.

ClinVar aggregate classification (germline): Uncertain significance (1 of 4 stars; one submission).

Conditions:
MBD5-related disorder. Also called: MBD5-related condition.

Allele frequency attached by ClinVar (database versions not stated): gnomAD exomes below 0.00001; gnomAD 0.00001; 1000 Genomes Project 30x 0.00016; 1000 Genomes Project 0.00020.
gnomAD v4.1: 5 of 1,614,060 alleles (0.00031%); highest among the groups gnomAD compares: South Asian, 0.0044%; no homozygotes.

Submission:

PreventionGenetics, part of Exact Sciences
Classification: Uncertain significance for MBD5-related condition. Last evaluated: 2023-01-25. Review status: criteria provided, single submitter. Criteria: ACMG Guidelines, 2015. Collection method: clinical testing. Allele origin: germline.
Comment: The MBD5 c.3575C>T variant is predicted to result in the amino acid substitution p.Thr1192Ile. To our knowledge, this variant has not been reported in the literature or in a large population database, indicating this variant is rare. At this time, the clinical significance of this variant is uncertain due to the absence of conclusive functional and genetic evidence.